The following is an entry in ClinVar:

ClinVar aggregate classification (germline): Uncertain significance. Review status: criteria provided, multiple submitters, no conflicts (2 of 4 stars). 2 submissions from 2 submitters: Uncertain significance (2). Last evaluated 2023-08-10.

Conditions:
Leber congenital amaurosis 13 (LCA13). Identifiers: MedGen C2675186, MONDO:0012990, OMIM 612712.

Submissions (2):

Labcorp Genetics (formerly Invitae), Labcorp
Classification: Uncertain significance for Leber congenital amaurosis 13. Last evaluated: 2023-08-10. Review status: criteria provided, single submitter. Criteria: Invitae Variant Classification Sherloc (09022015). Collection method: clinical testing. Allele origin: germline.
Comment: Algorithms developed to predict the effect of sequence changes on RNA splicing suggest that this variant may disrupt the consensus splice site. In summary, the available evidence is currently insufficient to determine the role of this variant in disease. Therefore, it has been classified as a Variant of Uncertain Significance. Advanced modeling of protein sequence and biophysical properties (such as structural, functional, and spatial information, amino acid conservation, physicochemical variation, residue mobility, and thermodynamic stability) performed at Invitae indicates that this missense variant is not expected to disrupt RDH12 protein function. ClinVar contains an entry for this variant (Variation ID: 1026604). This variant has not been reported in the literature in individuals affected with RDH12-related conditions. This variant is not present in population databases (gnomAD no frequency). This sequence change replaces alanine, which is neutral and non-polar, with threonine, which is neutral and polar, at codon 114 of the RDH12 protein (p.Ala114Thr).

Blueprint Genetics
Classification: Uncertain significance. Last evaluated: 2018-11-30. Review status: criteria provided, single submitter. Criteria: ACMG Guidelines, 2015. Collection method: clinical testing. Allele origin: germline.

NM_152443.3(RDH12):c.340G>A (p.Ala114Thr)

Genes: GPHN (gephyrin; plus strand), RDH12 (retinol dehydrogenase 12; plus strand). Cytogenetic location: 14q24.1.
Variant type: single nucleotide variant.
Coding change: c.340G>A on transcript NM_152443.3 (MANE Select); coding-DNA position 340, G replaced by A.
Protein change: p.Ala114Thr; replaces alanine 114 with threonine.
Molecular consequence: missense variant.
Genome position (GRCh38, 1-based): chr14:67,725,251, G>A. VCF-style: chr14-67725251-G-A. GRCh37 (hg19) VCF-style: chr14-68191968-G-A.
Other names: short protein forms A114T.
Identifiers: ClinVar variation 1026604 (VCV001026604.9), dbSNP rs2038171993, ClinGen allele CA390148946.